The following is an entry in ClinVar:

NM_000059.4(BRCA2):c.6281A>G (p.Tyr2094Cys)

Gene: BRCA2 (BRCA2 DNA repair associated; plus strand). Cytogenetic location: 13q13.1.
Variant type: single nucleotide variant.
Coding change: c.6281A>G on transcript NM_000059.4 (MANE Select); coding-DNA position 6281, A replaced by G.
Protein change: p.Tyr2094Cys; replaces tyrosine 2094 with cysteine.
Molecular consequence: missense variant.
Genome position (GRCh38, 1-based): chr13:32,340,636, A>G. VCF-style: chr13-32340636-A-G. GRCh37 (hg19) VCF-style: chr13-32914773-A-G.
Other names: 6509A>G; short protein forms Y2094C.
Identifiers: ClinVar variation 52046 (VCV000052046.43), dbSNP rs397507838, ClinGen allele CA023819.

ClinVar aggregate classification (germline): Conflicting classifications of pathogenicity. Review status: criteria provided, conflicting classifications (1 of 4 stars). 12 submissions from 12 submitters: Uncertain significance (9); Likely benign (2). 1 of the submissions does not count toward it. Last evaluated 2025-01-20.

Conditions:
Breast-ovarian cancer, familial, susceptibility to, 2 (BROVCA2). Also called: BRCA2 Hereditary Breast and Ovarian Cancer. Identifiers: Orphanet 145, MedGen C2675520, MONDO:0012933, OMIM 612555. Disease mechanism: loss of function.
Familial cancer of breast. Also called: BREAST CANCER, FAMILIAL; hereditary breast carcinoma; Hereditary breast cancer. Identifiers: Orphanet 227535, MedGen C0346153, MONDO:0016419, OMIM 114480. Disease mechanism: loss of function.
Hereditary cancer-predisposing syndrome. Also called: Hereditary Cancer Syndrome; Tumor predisposition; Neoplastic Syndromes, Hereditary; Hereditary neoplastic syndrome. Identifiers: Orphanet 140162, MedGen C0027672, MeSH D009386, MONDO:0015356.
Hereditary breast ovarian cancer syndrome. Also called: Breast and ovarian cancer; BRCA1- and BRCA2-Associated Hereditary Breast and Ovarian Cancer; Hereditary breast and ovarian cancer; Hereditary breast and ovarian cancer syndrome (HBOC); Hereditary breast and ovarian cancer syndrome; Hereditary breast and/or ovarian cancer syndrome. Identifiers: Orphanet 145, MedGen C0677776, MeSH D061325, MONDO:0003582. Disease mechanism: loss of function.
Fanconi anemia complementation group D1. Also called: BRCA2-Related Fanconi Anemia. Identifiers: Orphanet 319462, MedGen C1838457, MONDO:0011584, OMIM 605724.

Allele frequency attached by ClinVar (database versions not stated): gnomAD 0.00001; gnomAD exomes 0.00001; ExAC 0.00002; 1000 Genomes Project 0.00020; 1000 Genomes Project 30x 0.00031; TOPMed below 0.00001.
gnomAD v4.1: 7 of 1,606,892 alleles (0.00044%); highest among the groups gnomAD compares: Admixed American, 0.0017%; no homozygotes.

Submissions (12):

Women's Health and Genetics/Laboratory Corporation of America, LabCorp
Classification: Uncertain significance. Last evaluated: 2025-01-20. Review status: criteria provided, single submitter. Criteria: LabCorp Variant Classification Summary - May 2015. Collection method: clinical testing. Allele origin: germline.
Comment: Variant summary: BRCA2 c.6281A>G (p.Tyr2094Cys) results in a non-conservative amino acid change in the encoded protein sequence. Four of five in-silico tools predict a benign effect of the variant on protein function. The variant allele was found at a frequency of 8.2e-06 in 243916 control chromosomes. The available data on variant occurrences in the general population are insufficient to allow any conclusion about variant significance. These reports do not provide unequivocal conclusions about association of the variant with Hereditary Breast And Ovarian Cancer Syndrome. Co-occurrences with other pathogenic variants have been reported (BRCA1 c.1504_1508delTTAAA, p.Leu502AlafsX2 (UMD); BRCA1 c.5152+5G>A (internal sample)), providing supporting evidence for a benign role. To our knowledge, no experimental evidence demonstrating an impact on protein function has been reported. The following publications have been ascertained in the context of this evaluation (PMID: 12373604, 25682074, 38308422). ClinVar contains an entry for this variant (Variation ID: 52046). Based on the evidence outlined above, the variant was classified as VUS-possibly benign.

Color Diagnostics, LLC DBA Color Health
Classification: Uncertain significance for Hereditary cancer-predisposing syndrome. Last evaluated: 2025-01-14. Review status: criteria provided, single submitter. Criteria: ACMG Guidelines, 2015. Collection method: clinical testing. Allele origin: germline.
Comment: This missense variant replaces tyrosine with cysteine at codon 2094 of the BRCA2 protein. Computational prediction suggests that this variant may not impact protein structure and function. To our knowledge, functional studies have not been performed for this variant. This variant has been reported in three individuals affected with breast cancer (PMID 12373604, 25682074, 30040829), and a multifactorial analysis has reported a likelihood ratio based on personal and family history for 1 carrier of 0.807 from log(LR)=-0.093155861 (PMID: 31853058). This variant has been identified in 3/275116 chromosomes in the general population by the Genome Aggregation Database (gnomAD). The available evidence is insufficient to determine the role of this variant in disease conclusively. Therefore, this variant is classified as a Variant of Uncertain Significance.

Labcorp Genetics (formerly Invitae), Labcorp
Classification: Uncertain significance for Hereditary breast ovarian cancer syndrome. Last evaluated: 2024-10-16. Review status: criteria provided, single submitter. Criteria: Invitae Variant Classification Sherloc (09022015). Collection method: clinical testing. Allele origin: germline.
Comment: This sequence change replaces tyrosine, which is neutral and polar, with cysteine, which is neutral and slightly polar, at codon 2094 of the BRCA2 protein (p.Tyr2094Cys). This variant is present in population databases (rs397507838, gnomAD 0.003%). This missense change has been observed in individual(s) with breast and pancreatic cancer (PMID: 12373604, 25682074, 30040829). ClinVar contains an entry for this variant (Variation ID: 52046). Invitae Evidence Modeling of protein sequence and biophysical properties (such as structural, functional, and spatial information, amino acid conservation, physicochemical variation, residue mobility, and thermodynamic stability) indicates that this missense variant is not expected to disrupt BRCA2 protein function with a negative predictive value of 95%. In summary, the available evidence is currently insufficient to determine the role of this variant in disease. Therefore, it has been classified as a Variant of Uncertain Significance.

CeGaT Center for Human Genetics Tuebingen
Classification: Uncertain significance. Last evaluated: 2024-10-01. Review status: criteria provided, single submitter. Criteria: CeGaT Center For Human Genetics Tuebingen Variant Classification Criteria Version 2. Collection method: clinical testing. Allele origin: germline. Affected: yes. Observed: 1 variant allele.
Comment: BRCA2: PM2, BP1, BP4

Ambry Genetics
Classification: Uncertain significance for Hereditary cancer-predisposing syndrome. Last evaluated: 2024-05-28. Review status: criteria provided, single submitter. Criteria: Ambry Variant Classification Scheme 2023. Collection method: clinical testing. Allele origin: germline.
Comment: The p.Y2094C variant (also known as c.6281A>G), located in coding exon 10 of the BRCA2 gene, results from an A to G substitution at nucleotide position 6281. The tyrosine at codon 2094 is replaced by cysteine, an amino acid with highly dissimilar properties. This alteration has been detected in a family with early-onset breast and stomach cancers (Jakubowska A et al. Br J Cancer. 2002 Oct 7;87(8):888-91). This amino acid position is poorly conserved in available vertebrate species. In addition, this alteration is predicted to be tolerated by in silico analysis. Based on the available evidence, the clinical significance of this variant remains unclear.

Department of Pathology and Laboratory Medicine, Sinai Health System
Classification: Likely benign for Familial cancer of breast; Breast-ovarian cancer, familial, susceptibility to, 2. Last evaluated: 2024-05-28. Review status: criteria provided, single submitter. Criteria: ACMG Guidelines, 2015. Collection method: clinical testing. Allele origin: germline. Affected: yes.

University of Washington Department of Laboratory Medicine, University of Washington
Classification: Likely benign for Hereditary cancer-predisposing syndrome. Last evaluated: 2023-03-23. Review status: criteria provided, single submitter. Criteria: Dines et al. (Genet Med. 2020). Collection method: curation. Allele origin: germline.
Comment: Missense variant in a coldspot region where missense variants are very unlikely to be pathogenic (PMID:31911673).

BRCA2 exon 11 coldspot. Reclassification based on statistical prior probability.

Laboratorio de Genetica e Diagnostico Molecular, Hospital Israelita Albert Einstein
Classification: Uncertain significance for Fanconi anemia complementation group D1. Last evaluated: 2022-12-22. Review status: criteria provided, single submitter. Criteria: ACMG Guidelines, 2015. Collection method: clinical testing. Allele origin: germline. Affected: yes.
Comment: ACMG classification criteria: PS4 supporting, PM2 moderated, BP4 supporting

GeneDx
Classification: Uncertain significance. Last evaluated: 2020-06-09. Review status: criteria provided, single submitter. Criteria: GeneDx Variant Classification Process June 2021. Collection method: clinical testing. Allele origin: germline. Affected: yes.
Comment: Not observed at a significant frequency in large population cohorts (Lek 2016); In silico analysis supports that this missense variant does not alter protein structure/function; Observed in individuals with a personal or family history including breast and other cancers (Jakubowska 2002, Wong-Brown 2015); This variant is associated with the following publications: (PMID: 26269718, 25682074, 12373604)

Mendelics
Classification: Uncertain significance for Breast-ovarian cancer, familial, susceptibility to, 2. Last evaluated: 2019-05-28. Review status: criteria provided, single submitter. Criteria: Mendelics Assertion Criteria 2017. Collection method: clinical testing. Allele origin: unknown.

Quest Diagnostics Nichols Institute San Juan Capistrano
Classification: Uncertain significance. Last evaluated: 2018-06-01. Review status: criteria provided, single submitter. Criteria: Quest Diagnostics criteria. Collection method: clinical testing. Allele origin: unknown.

Sharing Clinical Reports Project (SCRP)
Classification: Uncertain significance for Breast-ovarian cancer, familial 2. Last evaluated: 2012-07-05. Review status: no assertion criteria provided. Collection method: clinical testing. Allele origin: germline. Not counted in ClinVar's aggregate classification.

Literature cited by the submitters: PubMed 12373604 (cited by 4 submitters); PubMed 25682074 (cited by 4 submitters); PubMed 38308422 (cited by Women's Health and Genetics/Laboratory Corporation of America, LabCorp); PubMed 30040829 (cited by 3 submitters); PubMed 31853058 (cited by Color Diagnostics, LLC DBA Color Health).